The following is an entry in ClinVar:

ClinVar aggregate classification (germline): Uncertain significance. Review status: criteria provided, multiple submitters, no conflicts (2 of 4 stars). 2 submissions from 2 submitters: Uncertain significance (2). Last evaluated 2024-09-18.

Allele frequency attached by ClinVar (database versions not stated): gnomAD 0.00005; 1000 Genomes Project 30x 0.00016; gnomAD exomes below 0.00001; ESP Exome Variant Server 0.00008; ExAC 0.00002; TOPMed 0.00006; 1000 Genomes Project 0.00020.
gnomAD v4.1: 11 of 1,614,254 alleles (0.00068%); highest among the groups gnomAD compares: African/African-American, 0.012%; no homozygotes.

Submissions (2):

Labcorp Genetics (formerly Invitae), Labcorp
Classification: Uncertain significance. Last evaluated: 2024-09-18. Review status: criteria provided, single submitter. Criteria: Invitae Variant Classification Sherloc (09022015). Collection method: clinical testing. Allele origin: germline.
Comment: This sequence change replaces isoleucine, which is neutral and non-polar, with asparagine, which is neutral and polar, at codon 587 of the DHX32 protein (p.Ile587Asn). This variant is present in population databases (rs368660749, gnomAD 0.007%). This variant has not been reported in the literature in individuals affected with DHX32-related conditions. ClinVar contains an entry for this variant (Variation ID: 1984851). An algorithm developed to predict the effect of missense changes on protein structure and function (PolyPhen-2) suggests that this variant is likely to be disruptive. In summary, the available evidence is currently insufficient to determine the role of this variant in disease. Therefore, it has been classified as a Variant of Uncertain Significance.

Ambry Genetics
Classification: Uncertain significance. Last evaluated: 2023-12-18. Review status: criteria provided, single submitter. Criteria: Ambry Variant Classification Scheme 2023. Collection method: clinical testing. Allele origin: germline.

NM_018180.3(DHX32):c.1760T>A (p.Ile587Asn)

Genes: BCCIP (BRCA2 and CDKN1A interacting protein; plus strand), DHX32 (DEAH-box helicase 32 (putative); minus strand). Cytogenetic location: 10q26.2.
Variant type: single nucleotide variant.
Coding change: c.1760T>A on transcript NM_018180.3 (MANE Select); coding-DNA position 1760, T replaced by A.
Protein change: p.Ile587Asn; replaces isoleucine 587 with asparagine.
Molecular consequence: missense variant. On other transcripts: intron variant (2).
Genome position (GRCh38, 1-based): chr10:125,839,122, A>T on the plus strand (T>A on the coding strand, the complement: DHX32 is on the minus strand). VCF-style: chr10-125839122-A-T. GRCh37 (hg19) VCF-style: chr10-127527691-A-T.
Other names: c.775-2133A>T (NM_078469.3, NM_016567.4); short protein forms I587N.
Identifiers: ClinVar variation 1984851 (VCV001984851.4), dbSNP rs368660749, ClinGen allele CA5739060.